The following is an entry in ClinVar:

ClinVar aggregate classification (germline): Pathogenic/Likely pathogenic. Review status: criteria provided, multiple submitters, no conflicts (2 of 4 stars). 5 submissions from 5 submitters: Pathogenic (3); Likely pathogenic (1). 1 of the submissions does not count toward it. Last evaluated 2025-08-31.

Conditions:
Fanconi anemia (FA). Also called: Fanconi's anemia. Identifiers: Orphanet 84, MedGen C0015625, MeSH D005199, MONDO:0019391.
Fanconi anemia complementation group A (FANCA). Also called: Fanconi anemia, group A; FANCA-Related Fanconi Anemia. Identifiers: Orphanet 84, MedGen C3469521, MONDO:0009215, OMIM 227650.

gnomAD v4.1: 4 of 1,614,134 alleles (0.00025%); highest among the groups gnomAD compares: Non-Finnish European, 0.00025%; no homozygotes.

Submissions (5):

Natera, Inc.
Classification: Likely pathogenic for Fanconi anemia. Last evaluated: 2025-08-31. Review status: criteria provided, single submitter. Criteria: Natera Variant Classification Schema (03/2026). Collection method: clinical testing. Allele origin: germline.
Comment: The c.3490C>T variant in FANCA is a missense variant predicted to cause substitution of proline to serine at amino acid 1164. This variant is rare in the general population with a frequency below the threshold expected for the associated phenotype(s). This variant has been observed in one or more individuals affected with the associated recessive disease, as either homozygous or compound heterozygous with a second variant (PMID: 35295078, 29098742, 37865086). A different variant at the same position has been determined to be Pathogenic or Likely Pathogenic. Computational prediction algorithms indicate this variant is likely to affect gene or protein function. Given the available evidence, this variant is classified as Likely Pathogenic.

Labcorp Genetics (formerly Invitae), Labcorp
Classification: Pathogenic for Fanconi anemia. Last evaluated: 2025-08-21. Review status: criteria provided, single submitter. Criteria: Invitae Variant Classification Sherloc (09022015). Collection method: clinical testing. Allele origin: germline.
Comment: This sequence change replaces proline, which is neutral and non-polar, with serine, which is neutral and polar, at codon 1164 of the FANCA protein (p.Pro1164Ser). This variant is not present in population databases (gnomAD no frequency). This missense change has been observed in individual(s) with Fanconi anemia (PMID: 24584348, 29098742, 31558676, 35295078). In at least one individual the data is consistent with being in trans (on the opposite chromosome) from a pathogenic variant. ClinVar contains an entry for this variant (Variation ID: 974054). Invitae Evidence Modeling of protein sequence and biophysical properties (such as structural, functional, and spatial information, amino acid conservation, physicochemical variation, residue mobility, and thermodynamic stability) indicates that this missense variant is expected to disrupt FANCA protein function with a positive predictive value of 95%. This variant disrupts the p.Pro1164 amino acid residue in FANCA. Other variant(s) that disrupt this residue have been determined to be pathogenic (PMID: 32947577; internal data). This suggests that this residue is clinically significant, and that variants that disrupt this residue are likely to be disease-causing. For these reasons, this variant has been classified as Pathogenic.

Women's Health and Genetics/Laboratory Corporation of America, LabCorp
Classification: Pathogenic for Fanconi anemia. Last evaluated: 2024-10-04. Review status: criteria provided, single submitter. Criteria: LabCorp Variant Classification Summary - May 2015. Collection method: clinical testing. Allele origin: germline.
Comment: Variant summary: FANCA c.3490C>T (p.Pro1164Ser) results in a non-conservative amino acid change in the encoded protein sequence. Five of five in-silico tools predict a damaging effect of the variant on protein function. The variant was absent in 251432 control chromosomes. c.3490C>T has been reported in the literature in the presumed compound heterozygous, compound heterozygous, or homozygous state in multiple individuals affected with Fanconi Anemia (example, DeRocco_2014, Kimble_2018), including multiple individuals carrying a pathogenic variant in trans. These data indicate that the variant is very likely to be associated with disease. To our knowledge, no experimental evidence demonstrating an impact on protein function has been reported. The following publications have been ascertained in the context of this evaluation (PMID: 24584348, 29098742). ClinVar contains an entry for this variant (Variation ID: 974054). Based on the evidence outlined above, the variant was classified as pathogenic.

Baylor Genetics
Classification: Pathogenic for Fanconi anemia complementation group A. Last evaluated: 2023-01-26. Review status: criteria provided, single submitter. Criteria: ACMG Guidelines, 2015. Collection method: clinical testing. Allele origin: unknown.

Leiden Open Variation Database
Classification: Uncertain significance for Fanconi anemia complementation group A. Last evaluated: 2020-02-28. Review status: no assertion criteria provided. Collection method: curation. Allele origin: germline. Affected: yes. Not counted in ClinVar's aggregate classification.
Comment: Curator: Arleen D. Auerbach. Submitter to LOVD: Arleen D. Auerbach.

Literature cited by the submitters: PubMed 35295078 (cited by Natera, Inc. and Labcorp Genetics (formerly Invitae), Labcorp); PubMed 29098742 (cited by 3 submitters); PubMed 37865086 (cited by Natera, Inc.); PubMed 24584348 (cited by Labcorp Genetics (formerly Invitae), Labcorp and Women's Health and Genetics/Laboratory Corporation of America, LabCorp); PubMed 31558676 (cited by Labcorp Genetics (formerly Invitae), Labcorp); PubMed 32947577 (cited by Labcorp Genetics (formerly Invitae), Labcorp).

NM_000135.4(FANCA):c.3490C>T (p.Pro1164Ser)

Gene: FANCA (FA complementation group A; minus strand). Cytogenetic location: 16q24.3.
Variant type: single nucleotide variant.
Coding change: c.3490C>T on transcript NM_000135.4 (MANE Select); coding-DNA position 3490, C replaced by T.
Protein change: p.Pro1164Ser; replaces proline 1164 with serine.
Molecular consequence: missense variant.
Genome position (GRCh38, 1-based): chr16:89,746,607, G>A on the plus strand (C>T on the coding strand, the complement: FANCA is on the minus strand). VCF-style: chr16-89746607-G-A. GRCh37 (hg19) VCF-style: chr16-89813015-G-A.
Other names: c.3490C>T, p.Pro1164Ser (NM_001286167.3); c.3490C>T (NM_000135.3); short protein forms P1164S.
Identifiers: ClinVar variation 974054 (VCV000974054.10), dbSNP rs545772434, ClinGen allele CA397485861.